The following is an entry in ClinVar:

NM_020435.4(GJC2):c.-20+1G>C

Gene: GJC2 (gap junction protein gamma 2; plus strand). Cytogenetic location: 1q42.13.
Variant type: single nucleotide variant.
Coding change: c.-20+1G>C on transcript NM_020435.4 (MANE Select); the canonical splice donor site of the intron after 20 bases upstream of the start codon, G replaced by C.
Molecular consequence: splice donor variant.
Genome position (GRCh38, 1-based): chr1:228,150,008, G>C. VCF-style: chr1-228150008-G-C. GRCh37 (hg19) VCF-style: chr1-228337709-G-C.
Identifiers: ClinVar variation 2202995 (VCV002202995.5), dbSNP rs2527857747, ClinGen allele CA2580062257.

ClinVar aggregate classification (germline): Pathogenic. Review status: criteria provided, multiple submitters, no conflicts (2 of 4 stars). 2 submissions from 2 submitters: Pathogenic (2). Last evaluated 2025-09-10.

Conditions:
Lymphatic malformation 3 (LMPHM3). Identifiers: Orphanet 79452, MedGen C4747646, MONDO:0013278, OMIM 613480.
Spastic paraplegia. Identifiers: MedGen C0037772, HP:0001258.

Submissions (2):

Genomic Medicine Center of Excellence, King Faisal Specialist Hospital and Research Centre
Classification: Pathogenic for Lymphatic malformation 3. Last evaluated: 2025-09-10. Review status: criteria provided, single submitter. Criteria: ACMG Guidelines, 2015. Collection method: clinical testing. Allele origin: germline.

Labcorp Genetics (formerly Invitae), Labcorp
Classification: Pathogenic for Spastic paraplegia. Last evaluated: 2022-03-19. Review status: criteria provided, single submitter. Criteria: Invitae Variant Classification Sherloc (09022015). Collection method: clinical testing. Allele origin: germline.
Comment: This sequence change falls in intron 1 of the GJC2 gene. It does not directly change the encoded amino acid sequence of the GJC2 protein. It affects a nucleotide within the consensus splice site. This variant is not present in population databases (gnomAD no frequency). For these reasons, this variant has been classified as Pathogenic. Variants that disrupt the consensus splice site are a relatively common cause of aberrant splicing (PMID: 17576681, 9536098). Algorithms developed to predict the effect of sequence changes on RNA splicing suggest that this variant may disrupt the consensus splice site. This variant has been observed in individual(s) with clinical features of Pelizaeus-Merzbacher disease (PMID: 23143715). It has also been observed to segregate with disease in related individuals.

Literature cited by the submitters: PubMed 17576681 (cited by Labcorp Genetics (formerly Invitae), Labcorp); PubMed 9536098 (cited by Labcorp Genetics (formerly Invitae), Labcorp); PubMed 23143715 (cited by Labcorp Genetics (formerly Invitae), Labcorp).